The following is an entry in ClinVar:

NM_001371596.2(MFSD8):c.980T>G (p.Val327Gly)

Gene: MFSD8 (major facilitator superfamily domain containing 8; minus strand). Cytogenetic location: 4q28.2.
Variant type: single nucleotide variant.
Coding change: c.980T>G on transcript NM_001371596.2 (MANE Select); coding-DNA position 980, T replaced by G.
Protein change: p.Val327Gly; replaces valine 327 with glycine.
Molecular consequence: missense variant.
Genome position (GRCh38, 1-based): chr4:127,930,701, A>C on the plus strand (T>G on the coding strand, the complement: MFSD8 is on the minus strand). VCF-style: chr4-127930701-A-C. GRCh37 (hg19) VCF-style: chr4-128851856-A-C.
Other names: c.779T>G, p.Val260Gly (NM_001363520.3); c.665T>G, p.Val222Gly (NM_001363521.3); c.845T>G, p.Val282Gly (NM_001371590.2); c.980T>G, p.Val327Gly (NM_001371591.2, NM_001437269.1, NM_152778.4); c.986T>G, p.Val329Gly (NM_001371592.2); c.866T>G, p.Val289Gly (NM_001371593.2, NM_001410766.1); c.833T>G, p.Val278Gly (NM_001371594.2); c.698T>G, p.Val233Gly (NM_001371595.1); and 1 more; short protein forms V177G, V222G, V233G, V260G, V278G, V282G, V289G, V327G.
Identifiers: ClinVar variation 4855824 (VCV004855824.1).

ClinVar aggregate classification (germline): Uncertain significance (1 of 4 stars; one submission).

Conditions:
Neuronal ceroid lipofuscinosis 7 (CLN7). Also called: MFSD8-Related Neuronal Ceroid-Lipofuscinosis. Identifiers: Orphanet 168491, Orphanet 228366, MedGen C1838571, MONDO:0012588, OMIM 610951.

Submission:

3billion
Classification: Uncertain significance for Neuronal ceroid lipofuscinosis 7. Last evaluated: 2025-11-25. Review status: criteria provided, single submitter. Criteria: ACMG Guidelines, 2015. Collection method: clinical testing. Allele origin: germline. Affected: yes.
Comment: The variant is not observed in the gnomAD v4.1.0 dataset. Predicted Consequence/Location: Missense variant. The majority of the known disease-causing variants of this gene are variants expected to result in premature termination of the protein. In silico tools predict the variant to alter splicing and produce an abnormal transcript [SpliceAI: 1.00 (>=0.2, moderate evidence for spliceogenicity)]. Therefore, this variant is classified as VUS according to the recommendation of ACMG/AMP guideline.